The following is an entry in ClinVar:

NM_003072.5(SMARCA4):c.1136C>A (p.Ala379Glu)

Gene: SMARCA4 (SWI/SNF related BAF chromatin remodeling complex subunit ATPase 4; plus strand). Cytogenetic location: 19p13.2.
Variant type: single nucleotide variant.
Coding change: c.1136C>A on transcript NM_003072.5 (MANE Select); coding-DNA position 1136, C replaced by A.
Protein change: p.Ala379Glu; replaces alanine 379 with glutamic acid.
Molecular consequence: missense variant. On other transcripts: non-coding transcript variant (1).
Genome position (GRCh38, 1-based): chr19:10,989,334, C>A. VCF-style: chr19-10989334-C-A. GRCh37 (hg19) VCF-style: chr19-11100010-C-A.
Other names: c.1136C>A, p.Ala379Glu (NM_001128844.3, NM_001128845.2, NM_001128846.2 and 6 more transcripts); short protein forms A379E.
Identifiers: ClinVar variation 1729761 (VCV001729761.2), dbSNP rs2145847066, ClinGen allele CA404059385.

ClinVar aggregate classification (germline): Uncertain significance (1 of 4 stars; one submission).

Conditions:
Hereditary cancer-predisposing syndrome. Also called: Neoplastic Syndromes, Hereditary; Tumor predisposition; Hereditary Cancer Syndrome; Hereditary neoplastic syndrome. Identifiers: Orphanet 140162, MedGen C0027672, MeSH D009386, MONDO:0015356.

Submission:

Ambry Genetics
Classification: Uncertain significance for Hereditary cancer-predisposing syndrome. Last evaluated: 2022-07-11. Review status: criteria provided, single submitter. Criteria: Ambry Variant Classification Scheme 2023. Collection method: clinical testing. Allele origin: germline.
Comment: The p.A379E variant (also known as c.1136C>A), located in coding exon 6 of the SMARCA4 gene, results from a C to A substitution at nucleotide position 1136. The alanine at codon 379 is replaced by glutamic acid, an amino acid with dissimilar properties. This amino acid position is well conserved in available vertebrate species. In addition, the in silico prediction for this alteration is inconclusive. Missense and in-frame variants in SMARCA4 are known to cause neurodevelopmental disorders; however, such associations with rhabdoid tumor predisposition syndrome including small cell carcinoma of the ovary-hypercalcemic type (SCCOHT) are exceedingly rare (Kosho T et al. Am J Med Genet C Semin Med Genet. 2014 Sep;166C(3):262-75; Jelinic P et al. Nat Genet. 2014 May;46(5):424-6). Based on the supporting evidence, the association of this alteration with Coffin-Siris syndrome is unknown; however, the association of this alteration with rhabdoid tumor predisposition syndrome is unlikely.